The following is an entry in ClinVar:

NM_207111.4(RNF216):c.669C>A (p.Ala223=)

Gene: RNF216 (ring finger protein 216; minus strand). Cytogenetic location: 7p22.1.
Variant type: single nucleotide variant.
Coding change: c.669C>A on transcript NM_207111.4 (MANE Select); coding-DNA position 669, C replaced by A.
Protein change: p.Ala223=; no amino-acid change (alanine 223 retained).
Molecular consequence: synonymous variant.
Genome position (GRCh38, 1-based): chr7:5,741,348, G>T on the plus strand (C>A on the coding strand, the complement: RNF216 is on the minus strand). VCF-style: chr7-5741348-G-T. GRCh37 (hg19) VCF-style: chr7-5780979-G-T.
Other names: c.498C>A, p.Ala166= (NM_001377156.1, NM_207116.3).
Identifiers: ClinVar variation 4535137 (VCV004535137.6).
Genomic context (GRCh38, chr7:5,741,348, plus strand): 5'-ACGGGGCTGTTGGTTCAGAGACTGGAAGTAAGGATGATCTAACCAGCAGTCTTCTTCGAT[G>T]GCCTGATCATCTGCTAGAGCAGCTGACTCTCCTAGATTTGATAACAGCTCTGTCTCTGAG-3'
Protein context (NP_996994.1, residues 213-233): GESAALADDQ[Ala223=]IEEDCWLDHP

ClinVar aggregate classification (germline): Likely benign (1 of 4 stars; one submission).

gnomAD v4.1: 4 of 1,614,108 alleles (0.00025%); highest among the groups gnomAD compares: African/African-American, 0.0013%; no homozygotes.

Submission:

CeGaT Center for Human Genetics Tuebingen
Classification: Likely benign. Last evaluated: 2025-11-01. Review status: criteria provided, single submitter. Criteria: CeGaT Center For Human Genetics Tuebingen Variant Classification Criteria Version 2. Collection method: clinical testing. Allele origin: germline. Affected: yes. Observed: 1 variant allele.
Comment: RNF216: BP4, BP7